The following is an entry in ClinVar:

ClinVar aggregate classification (germline): Uncertain significance. Review status: criteria provided, multiple submitters, no conflicts (2 of 4 stars). 6 submissions from 6 submitters: Uncertain significance (6). Last evaluated 2025-02-27.

Conditions:
Hereditary cancer-predisposing syndrome. Also called: Neoplastic Syndromes, Hereditary; Tumor predisposition; Hereditary Cancer Syndrome; Hereditary neoplastic syndrome. Identifiers: Orphanet 140162, MedGen C0027672, MeSH D009386, MONDO:0015356.
Classic or attenuated familial adenomatous polyposis. Identifiers: MedGen CN372698, MONDO:0021057.
Familial adenomatous polyposis 1 (FAP1). Also called: FAMILIAL ADENOMATOUS POLYPOSIS 1, ATTENUATED; POLYPOSIS, ADENOMATOUS INTESTINAL. Identifiers: MedGen C2713442, MONDO:0021056, OMIM 175100. Disease mechanism: loss of function.

Allele frequency attached by ClinVar (database versions not stated): gnomAD exomes below 0.00001; TOPMed 0.00001.
gnomAD v4.1: 2 of 1,613,920 alleles (0.00012%); highest among the groups gnomAD compares: Non-Finnish European, 0.00017%; no homozygotes.

Submissions (6):

Labcorp Genetics (formerly Invitae), Labcorp
Classification: Uncertain significance for Familial adenomatous polyposis 1. Last evaluated: 2025-02-27. Review status: criteria provided, single submitter. Criteria: Invitae Variant Classification Sherloc (09022015). Collection method: clinical testing. Allele origin: germline.
Comment: This sequence change replaces methionine, which is neutral and non-polar, with valine, which is neutral and non-polar, at codon 2047 of the APC protein (p.Met2047Val). This variant is present in population databases (no rsID available, gnomAD 0.0009%). This variant has not been reported in the literature in individuals affected with APC-related conditions. ClinVar contains an entry for this variant (Variation ID: 482247). Invitae Evidence Modeling of protein sequence and biophysical properties (such as structural, functional, and spatial information, amino acid conservation, physicochemical variation, residue mobility, and thermodynamic stability) indicates that this missense variant is not expected to disrupt APC protein function with a negative predictive value of 95%. In summary, the available evidence is currently insufficient to determine the role of this variant in disease. Therefore, it has been classified as a Variant of Uncertain Significance.

GeneDx
Classification: Uncertain significance. Last evaluated: 2024-04-02. Review status: criteria provided, single submitter. Criteria: GeneDx Variant Classification Process June 2021. Collection method: clinical testing. Allele origin: germline. Affected: yes.
Comment: Not observed at significant frequency in large population cohorts (gnomAD); In silico analysis supports that this missense variant does not alter protein structure/function; Has not been previously published as pathogenic or benign to our knowledge; This variant is associated with the following publications: (PMID: 22895193, 18199528)

Ambry Genetics
Classification: Uncertain significance for Hereditary cancer-predisposing syndrome. Last evaluated: 2024-03-27. Review status: criteria provided, single submitter. Criteria: Ambry Variant Classification Scheme 2023. Collection method: clinical testing. Allele origin: germline.
Comment: The p.M2047V variant (also known as c.6139A>G), located in coding exon 15 of the APC gene, results from an A to G substitution at nucleotide position 6139. The methionine at codon 2047 is replaced by valine, an amino acid with highly similar properties. This amino acid position is highly conserved in available vertebrate species. In addition, in silico predictors for this gene do not accurately predict pathogenicity. Since supporting evidence is limited at this time, the clinical significance of this alteration remains unclear.

Color Diagnostics, LLC DBA Color Health
Classification: Uncertain significance for Hereditary cancer-predisposing syndrome. Last evaluated: 2024-03-06. Review status: criteria provided, single submitter. Criteria: ACMG Guidelines, 2015. Collection method: clinical testing. Allele origin: germline.
Comment: This missense variant replaces methionine with valine at codon 2047 of the APC protein. Computational prediction suggests that this variant may have deleterious impact on protein structure and function (internally defined REVEL score threshold >= 0.7, PMID: 27666373). To our knowledge, functional studies have not been reported for this variant. This variant has not been reported in individuals affected with APC-related disorders in the literature. This variant has been identified in 1/250840 chromosomes in the general population by the Genome Aggregation Database (gnomAD). The available evidence is insufficient to determine the role of this variant in disease conclusively. Therefore, this variant is classified as a Variant of Uncertain Significance.

All of Us Research Program, National Institutes of Health
Classification: Uncertain significance for Classic or attenuated familial adenomatous polyposis. Last evaluated: 2024-02-22. Review status: criteria provided, single submitter. Criteria: ACMG Guidelines, 2015. Collection method: clinical testing. Allele origin: germline. Inheritance: Autosomal dominant inheritance. Observed: 2 variant alleles, 2 heterozygotes.
Comment: This missense variant replaces methionine with valine at codon 2047 of the APC protein. Computational prediction suggests that this variant may have deleterious impact on protein structure and function (internally defined REVEL score threshold >= 0.7, PMID: 27666373). Splice site prediction tools suggest that this variant may not impact RNA splicing. To our knowledge, functional studies have not been performed for this variant. This variant has not been reported in individuals affected with hereditary cancer in the literature. This variant has been identified in 1/250840 chromosomes in the general population by the Genome Aggregation Database (gnomAD). The available evidence is insufficient to determine the role of this variant in disease conclusively. Therefore, this variant is classified as a Variant of Uncertain Significance.

This study involves interpretation of variants in research participants for the purpose of population health screening. Participant phenotype was not available at the time of variant classification. Additional details can be found in publication PMID: 35346344, PMCID: PMC8962531

Baylor Genetics
Classification: Uncertain significance for Familial adenomatous polyposis 1. Last evaluated: 2023-12-24. Review status: criteria provided, single submitter. Criteria: ACMG Guidelines, 2015. Collection method: clinical testing. Allele origin: unknown.

NM_000038.6(APC):c.6139A>G (p.Met2047Val)

Gene: APC (APC regulator of Wnt signaling pathway; plus strand). Cytogenetic location: 5q22.2.
Variant type: single nucleotide variant.
Coding change: c.6139A>G on transcript NM_000038.6 (MANE Select); coding-DNA position 6139, A replaced by G.
Protein change: p.Met2047Val; replaces methionine 2047 with valine.
Molecular consequence: missense variant.
Genome position (GRCh38, 1-based): chr5:112,841,733, A>G. VCF-style: chr5-112841733-A-G. GRCh37 (hg19) VCF-style: chr5-112177430-A-G.
Other names: c.6139A>G, p.Met2047Val (NM_001127510.3, NM_001354895.2); c.6085A>G, p.Met2029Val (NM_001127511.3); c.6193A>G, p.Met2065Val (NM_001354896.2); c.6169A>G, p.Met2057Val (NM_001354897.2); c.6064A>G, p.Met2022Val (NM_001354898.2); c.6055A>G, p.Met2019Val (NM_001354899.2); c.6016A>G, p.Met2006Val (NM_001354900.2); c.5962A>G, p.Met1988Val (NM_001354901.2); and 5 more; short protein forms M2029V, M2047V, M1956V, M2006V, M1887V, M2022V, M2057V, M1946V.
Identifiers: ClinVar variation 482247 (VCV000482247.24), dbSNP rs908214296, ClinGen allele CA16034769.